The following is an entry in ClinVar:

NM_000128.4(F11):c.1840T>G (p.Tyr614Asp)

Genes: F11 (coagulation factor XI; plus strand), F11-AS1 (F11 antisense RNA 1; minus strand). Cytogenetic location: 4q35.2.
Variant type: single nucleotide variant.
Coding change: c.1840T>G on transcript NM_000128.4 (MANE Select); coding-DNA position 1840, T replaced by G.
Protein change: p.Tyr614Asp; replaces tyrosine 614 with aspartic acid.
Molecular consequence: missense variant. On other transcripts: non-coding transcript variant (1).
Genome position (GRCh38, 1-based): chr4:186,288,576, T>G. VCF-style: chr4-186288576-T-G. GRCh37 (hg19) VCF-style: chr4-187209730-T-G.
Other names: short protein forms Y614D.
Identifiers: ClinVar variation 3375384 (VCV003375384.2).

ClinVar aggregate classification (germline): Conflicting classifications of pathogenicity. Review status: criteria provided, conflicting classifications (1 of 4 stars). 2 submissions from 2 submitters: Likely pathogenic (1); Uncertain significance (1). Last evaluated 2025-11-17.

Conditions:
Hereditary factor XI deficiency disease. Also called: Congenital factor XI deficiency; PLASMA THROMBOPLASTIN ANTECEDENT DEFICIENCY; PTA DEFICIENCY; ROSENTHAL SYNDROME. Identifiers: Orphanet 329, MedGen C0015523, MeSH D005173, MONDO:0012897, OMIM 612416.

gnomAD v4.1: 3 of 1,613,978 alleles (0.00019%); highest among the groups gnomAD compares: Admixed American, 0.0017%; no homozygotes.

Submissions (2):

Myriad Genetics, Inc.
Classification: Uncertain significance for Hereditary factor XI deficiency disease. Last evaluated: 2025-11-17. Review status: criteria provided, single submitter. Criteria: Myriad Autosomal Dominant, Autosomal Recessive and X-Linked Classification Criteria (2023). Collection method: clinical testing. Allele origin: unknown.
Comment: NM_000128.3(F11):c.1840T>G(Y614D) is a missense variant classified as a variant of uncertain significance in the context of factor XI deficiency. Y614D has been observed in a case with relevant disease (PMID: 29178608). Relevant functional assessments of this variant are available in the literature (PMID: 29178608). Y614D has not been observed in referenced population frequency databases. In summary, there is insufficient evidence to classify NM_000128.3(F11):c.1840T>G(Y614D) as pathogenic or benign. Please note: this variant was assessed in the context of healthy population screening.

Women's Health and Genetics/Laboratory Corporation of America, LabCorp
Classification: Likely pathogenic for Hereditary factor XI deficiency disease. Last evaluated: 2024-09-18. Review status: criteria provided, single submitter. Criteria: LabCorp Variant Classification Summary - May 2015. Collection method: clinical testing. Allele origin: germline.
Comment: Variant summary: F11 c.1840T>G (p.Tyr614Asp) results in a non-conservative amino acid change located in the serine proteases, trypsin domain (IPR001254) of the encoded protein sequence. Five of five in-silico tools predict a damaging effect of the variant on protein function. The variant was absent in 251436 control chromosomes. c.1840T>G has been reported in the literature in at least one homozygous individual affected with Hereditary factor XI deficiency disease (e.g., Rimoldi_2018). These data indicate that the variant may be associated with disease. At least one publication reports experimental evidence evaluating an impact on protein function; transfected COS-1 cells with the variant demonstrated a reduction in the quantity of variant molecules, indicating a reduction in secretion by ~64% (Rimoldi_2018). The following publication has been ascertained in the context of this evaluation (PMID: 29178608). No submitters have cited clinical-significance assessments for this variant to ClinVar. Based on the evidence outlined above, the variant was classified as likely pathogenic.

Literature cited by the submitters: PubMed 29178608 (cited by Myriad Genetics, Inc. and Women's Health and Genetics/Laboratory Corporation of America, LabCorp).